The following is an entry in ClinVar:

NM_001009999.3(KDM1A):c.191A>T (p.Glu64Val)

Gene: KDM1A (lysine demethylase 1A; plus strand). Cytogenetic location: 1p36.12.
Variant type: single nucleotide variant.
Coding change: c.191A>T on transcript NM_001009999.3 (MANE Select); coding-DNA position 191, A replaced by T.
Protein change: p.Glu64Val; replaces glutamic acid 64 with valine.
Molecular consequence: missense variant.
Genome position (GRCh38, 1-based): chr1:23,019,787, A>T. VCF-style: chr1-23019787-A-T. GRCh37 (hg19) VCF-style: chr1-23346280-A-T.
Other names: c.191A>T, p.Glu64Val (NM_001363654.2, NM_001410762.1, NM_001410763.1 and 1 more transcripts); short protein forms E64V.
Identifiers: ClinVar variation 4622659 (VCV004622659.1).

ClinVar aggregate classification (germline): Uncertain significance (1 of 4 stars; one submission).

Conditions:
Inborn genetic diseases. Identifiers: MedGen C0950123, MeSH D030342.

Submission:

Ambry Genetics
Classification: Uncertain significance for Inborn genetic diseases. Last evaluated: 2025-10-02. Review status: criteria provided, single submitter. Criteria: Ambry Variant Classification Scheme 2023. Collection method: clinical testing. Allele origin: germline.
Comment: The p.E64V variant (also known as c.191A>T), located in coding exon 1 of the KDM1A gene, results from an A to T substitution at nucleotide position 191. The glutamic acid at codon 64 is replaced by valine, an amino acid with dissimilar properties. This amino acid position is conserved. In addition, this alteration is predicted to be tolerated by in silico analysis. Based on the available evidence, the clinical significance of this variant remains unclear.